The following is an entry in ClinVar:

NM_000122.2(ERCC3):c.-19C>T

Gene: ERCC3 (ERCC excision repair 3, TFIIH core complex helicase subunit; minus strand). Cytogenetic location: 2q14.3.
Variant type: single nucleotide variant.
Coding change: c.-19C>T on transcript NM_000122.2 (MANE Select); 19 bases upstream of the start codon, C replaced by T.
Molecular consequence: 5 prime UTR variant.
Genome position (GRCh38, 1-based): chr2:127,294,100, G>A on the plus strand (C>T on the coding strand, the complement: ERCC3 is on the minus strand). VCF-style: chr2-127294100-G-A. GRCh37 (hg19) VCF-style: chr2-128051676-G-A.
Other names: c.-408C>T (NM_001303416.2); c.-470C>T (NM_001303418.2).
Identifiers: ClinVar variation 331097 (VCV000331097.6), dbSNP rs184301749, ClinGen allele CA1858707.

ClinVar aggregate classification (germline): Likely benign. Review status: criteria provided, multiple submitters, no conflicts (2 of 4 stars). 2 submissions from 2 submitters: Likely benign (2). Last evaluated 2024-11-21.

Conditions:
Xeroderma pigmentosum group B. Also called: XPB/CS; XERODERMA PIGMENTOSUM B/COCKAYNE SYNDROME; XP, GROUP B; ERCC3-Related Xeroderma Pigmentosum. Identifiers: MedGen C0268136, MONDO:0012531, OMIM 610651.

Allele frequency attached by ClinVar (database versions not stated): 1000 Genomes Project 0.00040; 1000 Genomes Project 30x 0.00062; ESP Exome Variant Server 0.00108; TOPMed 0.00114; gnomAD 0.00153 and 0.00158; gnomAD exomes 0.00167 and 0.00225; ExAC 0.00218.

Submissions (2):

Blueprint Genetics
Classification: Likely benign. Last evaluated: 2024-11-21. Review status: criteria provided, single submitter. Criteria: ACMG Guidelines, 2015. Collection method: clinical testing. Allele origin: germline.

Illumina Laboratory Services, Illumina
Classification: Likely benign for Xeroderma pigmentosum group B. Last evaluated: 2018-01-13. Review status: criteria provided, single submitter. Criteria: ICSL Variant Classification Criteria 13 December 2019. Collection method: clinical testing. Allele origin: germline.
Comment: This variant was observed in the ICSL laboratory as part of a predisposition screen in an ostensibly healthy population. It had not been previously curated by ICSL or reported in the Human Gene Mutation Database (HGMD: prior to June 1st, 2018), and was therefore a candidate for classification through an automated scoring system. Utilizing variant allele frequency, disease prevalence and penetrance estimates, and inheritance mode, an automated score was calculated to assess if this variant is too frequent to cause the disease. Based on the score and internal cut-off values, a variant classified as likely benign is not then subjected to further curation. The score for this variant resulted in a classification of likely benign for this disease.